The following is an entry in ClinVar:

NM_020987.5(ANK3):c.12569A>C (p.Asn4190Thr)

Gene: ANK3 (ankyrin 3; minus strand). Cytogenetic location: 10q21.2.
Variant type: single nucleotide variant.
Coding change: c.12569A>C on transcript NM_020987.5 (MANE Select); coding-DNA position 12569, A replaced by C.
Protein change: p.Asn4190Thr; replaces asparagine 4190 with threonine.
Molecular consequence: missense variant.
Genome position (GRCh38, 1-based): chr10:60,063,137, T>G on the plus strand (A>C on the coding strand, the complement: ANK3 is on the minus strand). VCF-style: chr10-60063137-T-G. GRCh37 (hg19) VCF-style: chr10-61822895-T-G.
Other names: c.2132A>C, p.Asn711Thr (NM_001149.4); c.4712A>C, p.Asn1571Thr (NM_001204403.2); c.4733A>C, p.Asn1578Thr (NM_001204404.2); c.4730A>C, p.Asn1577Thr (NM_001320874.2); c.12569A>C (NM_020987.3); short protein forms N1571T, N1577T, N711T, N4190T, N1578T.
Identifiers: ClinVar variation 1930336 (VCV001930336.6), dbSNP rs140440227, ClinGen allele CA376993942.
Genomic context (GRCh38, chr10:60,063,137, plus strand): 5'-TGATTAAATAAATATGAACACTAAATTCGATTACCATCAACAGGGTCATGGAAAACATTG[T>G]TCTCATCTGCAAAACTTCTGGTGCCTGAAATATTTCCATAATCAAATATTGGTCCTTCTA-3'
Protein context (NP_066267.2, residues 4180-4200): ISGTRSFADE[Asn4190Thr]NVFHDPVDGW

ClinVar aggregate classification (germline): Uncertain significance. Review status: criteria provided, multiple submitters, no conflicts (2 of 4 stars). 2 submissions from 2 submitters: Uncertain significance (2). Last evaluated 2025-11-08.

Conditions:
Inborn genetic diseases. Identifiers: MedGen C0950123, MeSH D030342.

Submissions (2):

Ambry Genetics
Classification: Uncertain significance for Inborn genetic diseases. Last evaluated: 2025-11-08. Review status: criteria provided, single submitter. Criteria: Ambry Variant Classification Scheme 2023. Collection method: clinical testing. Allele origin: germline.

Labcorp Genetics (formerly Invitae), Labcorp
Classification: Uncertain significance. Last evaluated: 2022-05-19. Review status: criteria provided, single submitter. Criteria: Invitae Variant Classification Sherloc (09022015). Collection method: clinical testing. Allele origin: germline.
Comment: In summary, the available evidence is currently insufficient to determine the role of this variant in disease. Therefore, it has been classified as a Variant of Uncertain Significance. Algorithms developed to predict the effect of missense changes on protein structure and function are either unavailable or do not agree on the potential impact of this missense change (SIFT: "Not Available"; PolyPhen-2: "Probably Damaging"; Align-GVGD: "Not Available"). This variant has not been reported in the literature in individuals affected with ANK3-related conditions. This variant is not present in population databases (gnomAD no frequency). This sequence change replaces asparagine, which is neutral and polar, with threonine, which is neutral and polar, at codon 4190 of the ANK3 protein (p.Asn4190Thr).